The following is an entry in ClinVar:

NM_020699.4(GATAD2B):c.1606G>C (p.Ala536Pro)

Gene: GATAD2B (GATA zinc finger domain containing 2B; minus strand). Cytogenetic location: 1q21.3.
Variant type: single nucleotide variant.
Coding change: c.1606G>C on transcript NM_020699.4 (MANE Select); coding-DNA position 1606, G replaced by C.
Protein change: p.Ala536Pro; replaces alanine 536 with proline.
Molecular consequence: missense variant.
Genome position (GRCh38, 1-based): chr1:153,811,773, C>G on the plus strand (G>C on the coding strand, the complement: GATAD2B is on the minus strand). VCF-style: chr1-153811773-C-G. GRCh37 (hg19) VCF-style: chr1-153784249-C-G.
Other names: c.1606G>C (NM_020699.3); short protein forms A536P.
Identifiers: ClinVar variation 1948924 (VCV001948924.6), dbSNP rs1674300081, ClinGen allele CA342580782.

ClinVar aggregate classification (germline): Uncertain significance. Review status: criteria provided, single submitter (1 of 4 stars). 2 submissions from 2 submitters: Uncertain significance (1). 1 of the submissions does not count toward it. Last evaluated 2022-09-01.

Conditions:
GATAD2B-related disorder. Also called: GATAD2B-related condition.

Allele frequency attached by ClinVar (database versions not stated): gnomAD exomes below 0.00001.
gnomAD v4.1: 1 of 1,612,052 alleles (0.000062%); highest among the groups gnomAD compares: Admixed American, 0.0017%; no homozygotes.

Submissions (2):

Labcorp Genetics (formerly Invitae), Labcorp
Classification: Uncertain significance. Last evaluated: 2022-09-01. Review status: criteria provided, single submitter. Criteria: Invitae Variant Classification Sherloc (09022015). Collection method: clinical testing. Allele origin: germline.
Comment: This sequence change replaces alanine, which is neutral and non-polar, with proline, which is neutral and non-polar, at codon 536 of the GATAD2B protein (p.Ala536Pro). This variant is not present in population databases (gnomAD no frequency). This variant has not been reported in the literature in individuals affected with GATAD2B-related conditions. Algorithms developed to predict the effect of missense changes on protein structure and function are either unavailable or do not agree on the potential impact of this missense change (SIFT: "Not Available"; PolyPhen-2: "Benign"; Align-GVGD: "Not Available"). In summary, the available evidence is currently insufficient to determine the role of this variant in disease. Therefore, it has been classified as a Variant of Uncertain Significance.

PreventionGenetics, part of Exact Sciences
Classification: Uncertain significance for GATAD2B-related condition. Last evaluated: 2024-09-04. Review status: no assertion criteria provided. Collection method: clinical testing. Allele origin: germline. Not counted in ClinVar's aggregate classification.
Comment: The GATAD2B c.1606G>C variant is predicted to result in the amino acid substitution p.Ala536Pro. To our knowledge, this variant has not been reported in the literature or in a large population database, indicating this variant is rare. At this time, the clinical significance of this variant is uncertain due to the absence of conclusive functional and genetic evidence.